The following is an entry in ClinVar:

NM_002602.4(PDE6G):c.206C>A (p.Pro69His)

Gene: PDE6G (phosphodiesterase 6G; minus strand). Cytogenetic location: 17q25.3.
Variant type: single nucleotide variant.
Coding change: c.206C>A on transcript NM_002602.4 (MANE Select); coding-DNA position 206, C replaced by A.
Protein change: p.Pro69His; replaces proline 69 with histidine.
Molecular consequence: missense variant. On other transcripts: non-coding transcript variant (2).
Genome position (GRCh38, 1-based): chr17:81,651,132, G>T on the plus strand (C>A on the coding strand, the complement: PDE6G is on the minus strand). VCF-style: chr17-81651132-G-T. GRCh37 (hg19) VCF-style: chr17-79618162-G-T.
Other names: c.206C>A, p.Pro69His (NM_001365724.1, NM_001365725.1); short protein forms P69H.
Identifiers: ClinVar variation 2126950 (VCV002126950.4), dbSNP rs2036345933, ClinGen allele CA401474030.
Genomic context (GRCh38, chr17:81,651,132, plus strand): 5'-TGCTAGATGATGCCATATTGGGCCAGCTCGTGCAGCTCCAGGTGGTTGAAGGCCTCCCAA[G>T]GGCAGATGACTGTGATGTCTGTGGGAGAAACGGGCCACGGATCAGAGAGGATCCCACGGC-3'
Protein context (NP_002593.1, residues 59-79): GLGTDITVIC[Pro69His]WEAFNHLELH

ClinVar aggregate classification (germline): Uncertain significance (1 of 4 stars; one submission).

Allele frequency attached by ClinVar (database versions not stated): TOPMed 0.00001.

Submission:

Labcorp Genetics (formerly Invitae), Labcorp
Classification: Uncertain significance. Last evaluated: 2023-05-15. Review status: criteria provided, single submitter. Criteria: Invitae Variant Classification Sherloc (09022015). Collection method: clinical testing. Allele origin: germline.
Comment: This variant is not present in population databases (gnomAD no frequency). This variant has not been reported in the literature in individuals affected with PDE6G-related conditions. ClinVar contains an entry for this variant (Variation ID: 2126950). An algorithm developed to predict the effect of missense changes on protein structure and function (PolyPhen-2) suggests that this variant is likely to be disruptive. In summary, the available evidence is currently insufficient to determine the role of this variant in disease. Therefore, it has been classified as a Variant of Uncertain Significance. This sequence change replaces proline, which is neutral and non-polar, with histidine, which is basic and polar, at codon 69 of the PDE6G protein (p.Pro69His).